The following is an entry in ClinVar:

ClinVar aggregate classification (germline): Uncertain significance (1 of 4 stars; one submission).

Conditions:
Hereditary cancer-predisposing syndrome. Also called: Tumor predisposition; Hereditary Cancer Syndrome; Hereditary neoplastic syndrome; Neoplastic Syndromes, Hereditary. Identifiers: Orphanet 140162, MedGen C0027672, MeSH D009386, MONDO:0015356.

Submission:

Ambry Genetics
Classification: Uncertain significance for Hereditary cancer-predisposing syndrome. Last evaluated: 2024-02-09. Review status: criteria provided, single submitter. Criteria: Ambry Variant Classification Scheme 2023. Collection method: clinical testing. Allele origin: germline.
Comment: The p.T2654N variant (also known as c.7961C>A), located in coding exon 53 of the ATM gene, results from a C to A substitution at nucleotide position 7961. The threonine at codon 2654 is replaced by asparagine, an amino acid with similar properties. This amino acid position is conserved. In addition, this alteration is predicted to be tolerated by in silico analysis. Based on the available evidence, the clinical significance of this alteration remains unclear.

NM_000051.4(ATM):c.7961C>A (p.Thr2654Asn)

Genes: ATM (ATM serine/threonine kinase; plus strand), C11orf65 (chromosome 11 open reading frame 65; minus strand). Cytogenetic location: 11q22.3.
Variant type: single nucleotide variant.
Coding change: c.7961C>A on transcript NM_000051.4 (MANE Select); coding-DNA position 7961, C replaced by A.
Protein change: p.Thr2654Asn; replaces threonine 2654 with asparagine.
Molecular consequence: missense variant. On other transcripts: intron variant (2).
Genome position (GRCh38, 1-based): chr11:108,333,919, C>A. VCF-style: chr11-108333919-C-A. GRCh37 (hg19) VCF-style: chr11-108204646-C-A.
Other names: c.7961C>A, p.Thr2654Asn (NM_001351834.2); c.641-24848G>T (NM_001330368.2); c.*38+1301G>T (NM_001351110.2); short protein forms T2654N.
Identifiers: ClinVar variation 3223105 (VCV003223105.1), dbSNP rs786203621, ClinGen allele CA382561716.